The following is an entry in ClinVar:

ClinVar aggregate classification (germline): Benign/Likely benign. Review status: criteria provided, multiple submitters, no conflicts (2 of 4 stars). 4 submissions from 4 submitters: Benign (1); Likely benign (3). Last evaluated 2024-06-20.

Conditions:
Hereditary cancer-predisposing syndrome. Also called: Neoplastic Syndromes, Hereditary; Hereditary Cancer Syndrome; Tumor predisposition; Hereditary neoplastic syndrome. Identifiers: Orphanet 140162, MedGen C0027672, MeSH D009386, MONDO:0015356.
Familial cancer of breast. Also called: Hereditary breast cancer; BREAST CANCER, FAMILIAL; hereditary breast carcinoma. Identifiers: Orphanet 227535, MedGen C0346153, MONDO:0016419, OMIM 114480. Disease mechanism: loss of function.
Ataxia-telangiectasia syndrome (AT). Also called: LOUIS-BAR SYNDROME; Cerebello-oculocutaneous telangiectasia; Immunodeficiency with ataxia telangiectasia; Ataxia-telangiectasia, complementation group D; AT, COMPLEMENTATION GROUP C; Ataxia-telangiectasia, complementation group E. Identifiers: Orphanet 100, MedGen C0004135, MONDO:0008840, OMIM 208900.

Allele frequency attached by ClinVar (database versions not stated): gnomAD 0.00001.
gnomAD v4.1: 1 of 1,613,618 alleles (0.000062%); highest among the groups gnomAD compares: African/African-American, 0.0013%; no homozygotes.

Submissions (4):

Myriad Genetics, Inc.
Classification: Benign for Familial cancer of breast. Last evaluated: 2024-06-20. Review status: criteria provided, single submitter. Criteria: Myriad Autosomal Dominant, Autosomal Recessive and X-Linked Classification Criteria (2023). Collection method: clinical testing. Allele origin: unknown.
Comment: This variant is considered benign. This variant is a silent/synonymous amino acid change and it is not expected to impact splicing.

Ambry Genetics
Classification: Likely benign for Hereditary cancer-predisposing syndrome. Last evaluated: 2024-06-08. Review status: criteria provided, single submitter. Criteria: Ambry Variant Classification Scheme 2023. Collection method: clinical testing. Allele origin: germline.

Labcorp Genetics (formerly Invitae), Labcorp
Classification: Likely benign for Ataxia-telangiectasia syndrome. Last evaluated: 2020-10-19. Review status: criteria provided, single submitter. Criteria: Invitae Variant Classification Sherloc (09022015). Collection method: clinical testing. Allele origin: germline.

GeneDx
Classification: Likely benign. Last evaluated: 2016-08-17. Review status: criteria provided, single submitter. Criteria: GeneDx Variant Classification (06012015). Collection method: clinical testing. Allele origin: germline. Affected: yes.
Comment: This variant is considered likely benign or benign based on one or more of the following criteria: it is a conservative change, it occurs at a poorly conserved position in the protein, it is predicted to be benign by multiple in silico algorithms, and/or has population frequency not consistent with disease.

NM_000051.4(ATM):c.8466T>C (p.Asp2822=)

Genes: ATM (ATM serine/threonine kinase; plus strand), C11orf65 (chromosome 11 open reading frame 65; minus strand). Cytogenetic location: 11q22.3.
Variant type: single nucleotide variant.
Coding change: c.8466T>C on transcript NM_000051.4 (MANE Select); coding-DNA position 8466, T replaced by C.
Protein change: p.Asp2822=; no amino-acid change (aspartic acid 2822 retained).
Molecular consequence: synonymous variant. On other transcripts: intron variant (2).
Genome position (GRCh38, 1-based): chr11:108,345,790, T>C. VCF-style: chr11-108345790-T-C. GRCh37 (hg19) VCF-style: chr11-108216517-T-C.
Other names: c.8466T>C, p.Asp2822= (NM_001351834.2); c.641-36719A>G (NM_001330368.2); c.695-10498A>G (NM_001351110.2).
Identifiers: ClinVar variation 388767 (VCV000388767.12), dbSNP rs1057523224, ClinGen allele CA16606135.